The following is an entry in ClinVar:

NM_000521.4(HEXB):c.1378T>C (p.Trp460Arg)

Gene: HEXB (hexosaminidase subunit beta; plus strand). Cytogenetic location: 5q13.3.
Variant type: single nucleotide variant.
Coding change: c.1378T>C on transcript NM_000521.4 (MANE Select); coding-DNA position 1378, T replaced by C.
Protein change: p.Trp460Arg; replaces tryptophan 460 with arginine.
Molecular consequence: missense variant.
Genome position (GRCh38, 1-based): chr5:74,718,932, T>C. VCF-style: chr5-74718932-T-C. GRCh37 (hg19) VCF-style: chr5-74014757-T-C.
Other names: c.703T>C, p.Trp235Arg (NM_001292004.2); short protein forms W235R, W460R.
Identifiers: ClinVar variation 1301334 (VCV001301334.2), dbSNP rs2112180926, ClinGen allele CA360070446.

ClinVar aggregate classification (germline): Uncertain significance (1 of 4 stars; one submission).

Submission:

Women's Health and Genetics/Laboratory Corporation of America, LabCorp
Classification: Uncertain significance. Last evaluated: 2021-10-01. Review status: criteria provided, single submitter. Criteria: LabCorp Variant Classification Summary - May 2015. Collection method: clinical testing. Allele origin: germline.
Comment: Variant summary: HEXB c.1378T>C (p.Trp460Arg) results in a non-conservative amino acid change located in the Glycoside hydrolase family 20, catalytic domain (IPR015883) of the encoded protein sequence. Five of five in-silico tools predict a damaging effect of the variant on protein function. The variant was absent in 251442 control chromosomes. The available data on variant occurrences in the general population are insufficient to allow any conclusion about variant significance. c.1378T>C has been reported in the literature as a compound heterozygous genotype (with c.1598G>A, p.Arg533His) in at-least one Japanese individual affected with Juvenile onset Sandhoff Disease and a motor neuron disease phenotype (example, Shibuya_2021). Although Hexosaminidase analysis of this individuals peripheral blood leukocytes revealed a severely reduced (10-13%) total beta Hexosaminidase activity and a moderately reduced (23-27%) Hexosaminidase A activity, the compound heterozygous genotype precludes an ascertainment of a variant specific impact. Furthermore, the authors did not report the Hexosaminidase B activity levels. These data do not allow any conclusion about variant significance. To our knowledge, no variant specific experimental evidence demonstrating an impact on protein function has been reported. No clinical diagnostic laboratories have submitted clinical-significance assessments for this variant to ClinVar after 2014. Based on the evidence outlined above, the variant was classified as uncertain significance.

Literature cited by the submitters: PubMed 34217565.